The following is an entry in ClinVar:

NM_144997.7(FLCN):c.691C>T (p.His231Tyr)

Gene: FLCN (folliculin; minus strand). Cytogenetic location: 17p11.2.
Variant type: single nucleotide variant.
Coding change: c.691C>T on transcript NM_144997.7 (MANE Select); coding-DNA position 691, C replaced by T.
Protein change: p.His231Tyr; replaces histidine 231 with tyrosine.
Molecular consequence: missense variant.
Genome position (GRCh38, 1-based): chr17:17,222,589, G>A on the plus strand (C>T on the coding strand, the complement: FLCN is on the minus strand). VCF-style: chr17-17222589-G-A. GRCh37 (hg19) VCF-style: chr17-17125903-G-A.
Other names: c.745C>T, p.His249Tyr (NM_001353229.2); c.691C>T, p.His231Tyr (NM_001353230.2, NM_001353231.2, NM_144606.7); short protein forms H231Y, H249Y.
Identifiers: ClinVar variation 1360081 (VCV001360081.8), dbSNP rs2144950330, ClinGen allele CA398533997.

ClinVar aggregate classification (germline): Uncertain significance (1 of 4 stars; one submission).

Conditions:
Birt-Hogg-Dube syndrome. Also called: Birt Hogg Dubé syndrome. Identifiers: Orphanet 122, MedGen C0346010, MONDO:0800444.

Allele frequency attached by ClinVar (database versions not stated): gnomAD exomes below 0.00001.
gnomAD v4.1: 1 of 1,614,254 alleles (0.000062%); highest among the groups gnomAD compares: Middle Eastern, 0.016%; no homozygotes.

Submission:

Labcorp Genetics (formerly Invitae), Labcorp
Classification: Uncertain significance for Birt-Hogg-Dube syndrome. Last evaluated: 2022-02-20. Review status: criteria provided, single submitter. Criteria: Invitae Variant Classification Sherloc (09022015). Collection method: clinical testing. Allele origin: germline.
Comment: This sequence change replaces histidine, which is basic and polar, with tyrosine, which is neutral and polar, at codon 231 of the FLCN protein (p.His231Tyr). This variant is not present in population databases (gnomAD no frequency). This variant has not been reported in the literature in individuals affected with FLCN-related conditions. Algorithms developed to predict the effect of missense changes on protein structure and function (SIFT, PolyPhen-2, Align-GVGD) all suggest that this variant is likely to be tolerated. In summary, the available evidence is currently insufficient to determine the role of this variant in disease. Therefore, it has been classified as a Variant of Uncertain Significance.